The following is an entry in ClinVar:

ClinVar aggregate classification (germline): Conflicting classifications of pathogenicity. Review status: criteria provided, conflicting classifications (1 of 4 stars). 3 submissions from 3 submitters: Uncertain significance (2); Benign (1). Last evaluated 2026-04-01.

Conditions:
COL5A1-related disorder. Also called: COL5A1-related condition.
Ehlers-Danlos syndrome, classic type, 1 (EDSCL1). Also called: EDS I; Ehlers-Danlos syndrome, type 1; EHLERS-DANLOS SYNDROME, GRAVIS TYPE; EHLERS-DANLOS SYNDROME, SEVERE CLASSIC TYPE; Ehlers-Danlos Syndrome, Classic Type, COL5A1-Related. Identifiers: MedGen C0268335, MONDO:0019567, OMIM 130000.

Allele frequency attached by ClinVar (database versions not stated): TOPMed 0.00001; ExAC 0.00002; gnomAD exomes 0.00002; gnomAD 0.00003.

Submissions (3):

CeGaT Center for Human Genetics Tuebingen
Classification: Uncertain significance. Last evaluated: 2026-04-01. Review status: criteria provided, single submitter. Criteria: CeGaT Center For Human Genetics Tuebingen Variant Classification Criteria Version 2. Collection method: clinical testing. Allele origin: germline. Affected: yes. Observed: 1 variant allele.

Labcorp Genetics (formerly Invitae), Labcorp
Classification: Benign for Ehlers-Danlos syndrome, classic type, 1. Last evaluated: 2025-10-21. Review status: criteria provided, single submitter. Criteria: Invitae Variant Classification Sherloc (09022015). Collection method: clinical testing. Allele origin: germline.

PreventionGenetics, part of Exact Sciences
Classification: Uncertain significance for COL5A1-related condition. Last evaluated: 2022-12-22. Review status: criteria provided, single submitter. Criteria: ACMG Guidelines, 2015. Collection method: clinical testing. Allele origin: germline.
Comment: The COL5A1 c.616G>A variant is predicted to result in the amino acid substitution p.Val206Met. To our knowledge, this variant has not been reported in the literature. This variant is reported in 0.0085% of alleles in individuals of Latino descent in gnomAD. At this time, the clinical significance of this variant is uncertain due to the absence of conclusive functional and genetic evidence.

NM_000093.5(COL5A1):c.616G>A (p.Val206Met)

Gene: COL5A1 (collagen type V alpha 1 chain; plus strand). Cytogenetic location: 9q34.3.
Variant type: single nucleotide variant.
Coding change: c.616G>A on transcript NM_000093.5 (MANE Select); coding-DNA position 616, G replaced by A.
Protein change: p.Val206Met; replaces valine 206 with methionine.
Molecular consequence: missense variant.
Genome position (GRCh38, 1-based): chr9:134,701,295, G>A. VCF-style: chr9-134701295-G-A. GRCh37 (hg19) VCF-style: chr9-137593141-G-A.
Other names: c.616G>A, p.Val206Met (NM_001278074.1); short protein forms V206M.
Identifiers: ClinVar variation 2079523 (VCV002079523.7), dbSNP rs777065347, ClinGen allele CA5318366.